The following is an entry in ClinVar:

NM_001042492.3(NF1):c.457G>A (p.Val153Ile)

Gene: NF1 (neurofibromin 1; plus strand). Cytogenetic location: 17q11.2.
Variant type: single nucleotide variant.
Coding change: c.457G>A on transcript NM_001042492.3 (MANE Select); coding-DNA position 457, G replaced by A.
Protein change: p.Val153Ile; replaces valine 153 with isoleucine.
Molecular consequence: missense variant.
Genome position (GRCh38, 1-based): chr17:31,163,354, G>A. VCF-style: chr17-31163354-G-A. GRCh37 (hg19) VCF-style: chr17-29490372-G-A.
Other names: c.457G>A, p.Val153Ile (NM_000267.4, NM_001128147.3); short protein forms V153I.
Identifiers: ClinVar variation 4615726 (VCV004615726.2).

ClinVar aggregate classification (germline): Uncertain significance. Review status: criteria provided, multiple submitters, no conflicts (2 of 4 stars). 2 submissions from 2 submitters: Uncertain significance (2). Last evaluated 2025-09-22.

Conditions:
Hereditary cancer-predisposing syndrome. Also called: Hereditary neoplastic syndrome; Hereditary Cancer Syndrome; Neoplastic Syndromes, Hereditary; Tumor predisposition. Identifiers: Orphanet 140162, MedGen C0027672, MeSH D009386, MONDO:0015356.
Cardiovascular phenotype. Identifiers: MedGen CN230736.
Neurofibromatosis, type 1 (NF1). Also called: Peripheral type neurofibromatosis; VON RECKLINGHAUSEN DISEASE; Neurofibromatosis, type I; NEUROFIBROMATOSIS, TYPE I, SOMATIC. Identifiers: Orphanet 636, MedGen C0027831, MONDO:0018975, OMIM 162200. Disease mechanism: loss of function.

Submissions (2):

Ambry Genetics
Classification: Uncertain significance for Cardiovascular phenotype; Hereditary cancer-predisposing syndrome. Last evaluated: 2025-09-22. Review status: criteria provided, single submitter. Criteria: Ambry Variant Classification Scheme 2023. Collection method: clinical testing. Allele origin: germline.
Comment: The p.V153I variant (also known as c.457G>A), located in coding exon 4 of the NF1 gene, results from a G to A substitution at nucleotide position 457. The valine at codon 153 is replaced by isoleucine, an amino acid with highly similar properties. This amino acid position is conserved. In addition, the in silico prediction for this alteration is inconclusive. Based on the available evidence, the clinical significance of this variant remains unclear.

Labcorp Genetics (formerly Invitae), Labcorp
Classification: Uncertain significance for Neurofibromatosis, type 1. Last evaluated: 2025-08-20. Review status: criteria provided, single submitter. Criteria: Invitae Variant Classification Sherloc (09022015). Collection method: clinical testing. Allele origin: germline.
Comment: This sequence change replaces valine, which is neutral and non-polar, with isoleucine, which is neutral and non-polar, at codon 153 of the NF1 protein (p.Val153Ile). This variant is not present in population databases (gnomAD no frequency). This variant has not been reported in the literature in individuals affected with NF1-related conditions. Invitae Evidence Modeling of protein sequence and biophysical properties (such as structural, functional, and spatial information, amino acid conservation, physicochemical variation, residue mobility, and thermodynamic stability) indicates that this missense variant is expected to disrupt NF1 protein function with a positive predictive value of 80%. In summary, the available evidence is currently insufficient to determine the role of this variant in disease. Therefore, it has been classified as a Variant of Uncertain Significance.